The following is an entry in ClinVar:

ClinVar aggregate classification (germline): Benign/Likely benign. Review status: criteria provided, multiple submitters, no conflicts (2 of 4 stars). 11 submissions from 11 submitters: Benign (9); Likely benign (1). 1 of the submissions does not count toward it. Last evaluated 2026-02-04.

Conditions:
Medium-chain acyl-coenzyme A dehydrogenase deficiency (ACADMD). Also called: MCADD; ACADM DEFICIENCY; MCADH DEFICIENCY; CARNITINE DEFICIENCY SECONDARY TO MEDIUM-CHAIN ACYL-CoA DEHYDROGENASE DEFICIENCY; MCAD Deficiency; Medium chain acyl-CoA dehydrogenase deficiency. Identifiers: Orphanet 42, MedGen C0220710, MONDO:0008721, OMIM 201450.

Allele frequency attached by ClinVar (database versions not stated): 1000 Genomes Project 0.23123; 1000 Genomes Project 30x 0.24001; ExAC 0.27404; gnomAD exomes 0.27597; gnomAD 0.29937 and 0.30596; TOPMed 0.30154; ESP Exome Variant Server 0.31759.
gnomAD v4.1: 497,963 of 1,609,978 alleles (31%); highest among the groups gnomAD compares: Non-Finnish European, 33%; 80,049 homozygotes.

Submissions (11):

Labcorp Genetics (formerly Invitae), Labcorp
Classification: Benign for Medium-chain acyl-coenzyme A dehydrogenase deficiency. Last evaluated: 2026-02-04. Review status: criteria provided, single submitter. Criteria: Invitae Variant Classification Sherloc (09022015). Collection method: clinical testing. Allele origin: germline.

Blueprint Genetics
Classification: Likely benign. Last evaluated: 2024-11-26. Review status: criteria provided, single submitter. Criteria: ACMG Guidelines, 2015. Collection method: clinical testing. Allele origin: germline.

Mayo Clinic Laboratories, Mayo Clinic
Classification: Benign. Last evaluated: 2022-04-26. Review status: criteria provided, single submitter. Criteria: ACMG Guidelines, 2015. Collection method: clinical testing. Allele origin: germline. Observed: 471 variant alleles.

Genome-Nilou Lab
Classification: Benign for Medium-chain acyl-coenzyme A dehydrogenase deficiency. Last evaluated: 2021-07-01. Review status: criteria provided, single submitter. Criteria: ACMG Guidelines, 2015. Collection method: clinical testing. Allele origin: germline. Affected: no.

ARUP Laboratories, Molecular Genetics and Genomics, ARUP Laboratories
Classification: Benign for Medium-chain acyl-coenzyme A dehydrogenase deficiency. Last evaluated: 2021-05-08. Review status: criteria provided, single submitter. Criteria: ARUP Molecular Germline Variant Investigation Process 2021. Collection method: clinical testing. Allele origin: germline.

Illumina Laboratory Services, Illumina
Classification: Benign for Medium-chain acyl-coenzyme A dehydrogenase deficiency. Last evaluated: 2018-01-13. Review status: criteria provided, single submitter. Criteria: ICSL Variant Classification Criteria 13 December 2019. Collection method: clinical testing. Allele origin: germline.
Comment: This variant was observed in the ICSL laboratory as part of a predisposition screen in an ostensibly healthy population. It had not been previously curated by ICSL or reported in the Human Gene Mutation Database (HGMD: prior to June 1st, 2018), and was therefore a candidate for classification through an automated scoring system. Utilizing variant allele frequency, disease prevalence and penetrance estimates, and inheritance mode, an automated score was calculated to assess if this variant is too frequent to cause the disease. Based on the score and internal cut-off values, a variant classified as benign is not then subjected to further curation. The score for this variant resulted in a classification of benign for this disease.

Eurofins Ntd Llc (ga)
Classification: Benign. Last evaluated: 2015-09-14. Review status: criteria provided, single submitter. Criteria: EGL Classification Definitions 2015. Collection method: clinical testing. Allele origin: germline. Observed: 53 variant alleles, 44 heterozygotes, 9 homozygotes.

GeneDx
Classification: Benign. Last evaluated: 2013-05-29. Review status: criteria provided, single submitter. Criteria: GeneDx Variant Classification (06012015). Collection method: clinical testing. Allele origin: germline. Affected: yes.
Comment: This variant is considered likely benign or benign based on one or more of the following criteria: it is a conservative change, it occurs at a poorly conserved position in the protein, it is predicted to be benign by multiple in silico algorithms, and/or has population frequency not consistent with disease.

Breakthrough Genomics
Classification: Benign. Review status: criteria provided, single submitter. Criteria: ACMG Guidelines, 2015. Collection method: not provided. Allele origin: germline. Inheritance: Autosomal recessive inheritance. Affected: yes.

PreventionGenetics, part of Exact Sciences
Classification: Benign. Review status: criteria provided, single submitter. Criteria: ACMG Guidelines, 2015. Collection method: clinical testing. Allele origin: germline.

Natera, Inc.
Classification: Benign for Medium Chain Acyl-CoA Dehydrogenase Deficiency. Last evaluated: 2017-05-11. Review status: no assertion criteria provided. Collection method: clinical testing. Allele origin: germline. Not counted in ClinVar's aggregate classification.

NM_000016.6(ACADM):c.216+10T>C

Gene: ACADM (acyl-CoA dehydrogenase medium chain; plus strand). Cytogenetic location: 1p31.1.
Variant type: single nucleotide variant.
Coding change: c.216+10T>C on transcript NM_000016.6 (MANE Select); 10 bases into the intron after coding-DNA position 216, T replaced by C.
Molecular consequence: intron variant.
Genome position (GRCh38, 1-based): chr1:75,732,751, T>C. VCF-style: chr1-75732751-T-C. GRCh37 (hg19) VCF-style: chr1-76198436-T-C.
Other names: p.?; c.228+10T>C (NM_001127328.3); c.216+10T>C (NM_001286043.2); c.108+10T>C (NM_001286042.2); c.-170+10T>C (NM_001286044.2).
Identifiers: ClinVar variation 92259 (VCV000092259.33), dbSNP rs2275378, ClinGen allele CA285286.